The following is an entry in ClinVar:

ClinVar aggregate classification (germline): Conflicting classifications of pathogenicity. Review status: criteria provided, conflicting classifications (1 of 4 stars). 3 submissions from 3 submitters: Uncertain significance (1); Likely benign (2). Last evaluated 2025-07-03.

Conditions:
Hereditary cancer-predisposing syndrome. Also called: Neoplastic Syndromes, Hereditary; Tumor predisposition; Hereditary Cancer Syndrome; Hereditary neoplastic syndrome. Identifiers: Orphanet 140162, MedGen C0027672, MeSH D009386, MONDO:0015356.
Hereditary breast ovarian cancer syndrome. Also called: Hereditary breast and ovarian cancer syndrome; Hereditary breast and ovarian cancer syndrome (HBOC); Breast and ovarian cancer; Hereditary breast and/or ovarian cancer syndrome; Hereditary breast and ovarian cancer; BRCA1- and BRCA2-Associated Hereditary Breast and Ovarian Cancer. Identifiers: Orphanet 145, MedGen C0677776, MeSH D061325, MONDO:0003582. Disease mechanism: loss of function.

Submissions (3):

Ambry Genetics
Classification: Likely benign for Hereditary cancer-predisposing syndrome. Last evaluated: 2025-07-03. Review status: criteria provided, single submitter. Criteria: Ambry Variant Classification Scheme 2023. Collection method: clinical testing. Allele origin: germline.

University of Washington Department of Laboratory Medicine, University of Washington
Classification: Likely benign for Hereditary cancer-predisposing syndrome. Last evaluated: 2023-03-23. Review status: criteria provided, single submitter. Criteria: Dines et al. (Genet Med. 2020). Collection method: curation. Allele origin: germline.
Comment: Missense variant in a coldspot region where missense variants are very unlikely to be pathogenic (PMID:31911673).

BRCA2 exon 11 coldspot. Reclassification based on statistical prior probability.

Labcorp Genetics (formerly Invitae), Labcorp
Classification: Uncertain significance for Hereditary breast ovarian cancer syndrome. Last evaluated: 2022-07-29. Review status: criteria provided, single submitter. Criteria: Invitae Variant Classification Sherloc (09022015). Collection method: clinical testing. Allele origin: germline.
Comment: In summary, the available evidence is currently insufficient to determine the role of this variant in disease. Therefore, it has been classified as a Variant of Uncertain Significance. This sequence change replaces threonine, which is neutral and polar, with alanine, which is neutral and non-polar, at codon 1040 of the BRCA2 protein (p.Thr1040Ala). This variant is not present in population databases (gnomAD no frequency). This variant has not been reported in the literature in individuals affected with BRCA2-related conditions. Advanced modeling of protein sequence and biophysical properties (such as structural, functional, and spatial information, amino acid conservation, physicochemical variation, residue mobility, and thermodynamic stability) performed at Invitae indicates that this missense variant is not expected to disrupt BRCA2 protein function.

NM_000059.4(BRCA2):c.3118A>G (p.Thr1040Ala)

Gene: BRCA2 (BRCA2 DNA repair associated; plus strand). Cytogenetic location: 13q13.1.
Variant type: single nucleotide variant.
Coding change: c.3118A>G on transcript NM_000059.4 (MANE Select); coding-DNA position 3118, A replaced by G.
Protein change: p.Thr1040Ala; replaces threonine 1040 with alanine.
Molecular consequence: missense variant.
Genome position (GRCh38, 1-based): chr13:32,337,473, A>G. VCF-style: chr13-32337473-A-G. GRCh37 (hg19) VCF-style: chr13-32911610-A-G.
Other names: c.3118A>G, p.Thr1040Ala (NM_001406719.1, NM_001406720.1); short protein forms T1040A.
Identifiers: ClinVar variation 1714162 (VCV001714162.8), dbSNP rs2137493390, ClinGen allele CA387775473.